The following is an entry in ClinVar:

ClinVar aggregate classification (germline): Uncertain significance (1 of 4 stars; one submission).

gnomAD v4.1: 1 of 1,613,420 alleles (0.000062%); highest among the groups gnomAD compares: Admixed American, 0.0017%; no homozygotes.

Submission:

Labcorp Genetics (formerly Invitae), Labcorp
Classification: Uncertain significance. Last evaluated: 2025-04-25. Review status: criteria provided, single submitter. Criteria: Invitae Variant Classification Sherloc (09022015). Collection method: clinical testing. Allele origin: germline.
Comment: This sequence change falls in intron 8 of the ARHGAP24 gene. It does not directly change the encoded amino acid sequence of the ARHGAP24 protein. It affects a nucleotide within the consensus splice site. This variant is present in population databases (rs372131393, gnomAD 0.006%). This variant has not been reported in the literature in individuals affected with ARHGAP24-related conditions. Variants that disrupt the consensus splice site are a relatively common cause of aberrant splicing (PMID: 17576681, 9536098). Algorithms developed to predict the effect of sequence changes on RNA splicing suggest that this variant is not likely to affect RNA splicing. In summary, the available evidence is currently insufficient to determine the role of this variant in disease. Therefore, it has been classified as a Variant of Uncertain Significance.

Literature cited by the submitters: PubMed 17576681; PubMed 9536098.

NM_001025616.3(ARHGAP24):c.928+6T>A

Gene: ARHGAP24 (Rho GTPase activating protein 24; plus strand). Cytogenetic location: 4q21.23.
Variant type: single nucleotide variant.
Coding change: c.928+6T>A on transcript NM_001025616.3 (MANE Select); 6 bases into the intron after coding-DNA position 928, T replaced by A.
Molecular consequence: intron variant.
Genome position (GRCh38, 1-based): chr4:85,977,697, T>A. VCF-style: chr4-85977697-T-A. GRCh37 (hg19) VCF-style: chr4-86898850-T-A.
Other names: c.643+6T>A (NM_001042669.2); c.349+6T>A (NM_001346093.2); c.673+6T>A (NM_001287805.2); c.649+6T>A (NM_031305.3).
Identifiers: ClinVar variation 4703215 (VCV004703215.1).